The following is an entry in ClinVar:

ClinVar aggregate classification (germline): Uncertain significance. Review status: criteria provided, multiple submitters, no conflicts (2 of 4 stars). 10 submissions from 9 submitters: Uncertain significance (9). 1 of the submissions does not count toward it. Last evaluated 2025-12-28.

Conditions:
Pheochromocytoma/paraganglioma syndrome 4. Also called: SDHB-Related Hereditary Paraganglioma-Pheochromocytoma Syndrome (Paragangliomas 4); SDHB-Related Hereditary Paraganglioma-Pheochromocytoma Syndrome; PARAGANGLIOMA, FAMILIAL MALIGNANT; PARAGANGLIOMAS, HEREDITARY EXTRAADRENAL; PHEOCHROMOCYTOMA, FAMILIAL EXTRAADRENAL; CAROTID BODY TUMORS AND MULTIPLE EXTRAADRENAL PHEOCHROMOCYTOMAS. Identifiers: Orphanet 29072, MedGen C1861848, MONDO:0007273, OMIM 115310.
Gastrointestinal stromal tumor. Also called: Gastrointestinal stromal tumor, somatic; Gastrointestinal stroma tumor. Identifiers: Orphanet 44890, MedGen C0238198, MeSH D046152, MONDO:0011719, OMIM 606764, HP:0100723.
Pheochromocytoma. Also called: MAX-Related Hereditary Paraganglioma-Pheochromocytoma Syndrome. Identifiers: Orphanet 29072, MedGen C0031511, MONDO:0008233, OMIM 171300, HP:0002666.
Hereditary cancer-predisposing syndrome. Also called: Tumor predisposition; Hereditary neoplastic syndrome; Hereditary Cancer Syndrome; Neoplastic Syndromes, Hereditary. Identifiers: Orphanet 140162, MedGen C0027672, MeSH D009386, MONDO:0015356.
Hereditary pheochromocytoma and paraganglioma. Also called: Hereditary pheochromocytoma-paraganglioma; Hereditary Paraganglioma-Pheochromocytoma Syndromes; Hereditary paragangliomas and pheochromocytomas. Identifiers: Orphanet 29072, MedGen C4274332, MONDO:0017366.
Carney-Stratakis syndrome. Also called: PARAGANGLIOMA AND GASTROINTESTINAL STROMAL TUMOR. Identifiers: Orphanet 97286, MedGen C1847319, MONDO:0011740, OMIM 606864.

Allele frequency attached by ClinVar (database versions not stated): TOPMed 0.00001; gnomAD 0.00003.
gnomAD v4.1: 15 of 1,613,982 alleles (0.00093%); highest among the groups gnomAD compares: Admixed American, 0.012%; no homozygotes.

Submissions (10):

Labcorp Genetics (formerly Invitae), Labcorp
Classification: Uncertain significance for Gastrointestinal stromal tumor; Pheochromocytoma/paraganglioma syndrome 4; Pheochromocytoma. Last evaluated: 2025-12-28. Review status: criteria provided, single submitter. Criteria: Invitae Variant Classification Sherloc (09022015). Collection method: clinical testing. Allele origin: germline.
Comment: This sequence change replaces arginine, which is basic and polar, with glutamine, which is neutral and polar, at codon 115 of the SDHB protein (p.Arg115Gln). This variant is present in population databases (rs200973284, gnomAD 0.01%). This variant has not been reported in the literature in individuals affected with SDHB-related conditions. ClinVar contains an entry for this variant (Variation ID: 135193). Invitae Evidence Modeling of protein sequence and biophysical properties (such as structural, functional, and spatial information, amino acid conservation, physicochemical variation, residue mobility, and thermodynamic stability) indicates that this missense variant is not expected to disrupt SDHB protein function with a negative predictive value of 80%. In summary, the available evidence is currently insufficient to determine the role of this variant in disease. Therefore, it has been classified as a Variant of Uncertain Significance.

Color Diagnostics, LLC DBA Color Health
Classification: Uncertain significance for Hereditary pheochromocytoma and paraganglioma. Last evaluated: 2025-06-25. Review status: criteria provided, single submitter. Criteria: ACMG Guidelines, 2015. Collection method: clinical testing. Allele origin: germline.
Comment: This missense variant replaces arginine with glutamine at codon 115 of the SDHB protein. Computational prediction suggests that this variant may not impact protein structure and function. To our knowledge, functional studies have not been reported for this variant. This variant has not been reported in individuals affected with SDHB-related disorders in the literature. This variant has been identified in 3/251458 chromosomes in the general population by the Genome Aggregation Database (gnomAD). The available evidence is insufficient to determine the role of this variant in disease conclusively. Therefore, this variant is classified as a Variant of Uncertain Significance.

Baylor Genetics
Classification: Uncertain significance for Gastrointestinal stromal tumor. Last evaluated: 2024-02-24. Review status: criteria provided, single submitter. Criteria: ACMG Guidelines, 2015. Collection method: clinical testing. Allele origin: unknown.

Ambry Genetics
Classification: Uncertain significance for Hereditary cancer-predisposing syndrome. Last evaluated: 2023-12-18. Review status: criteria provided, single submitter. Criteria: Ambry Variant Classification Scheme 2023. Collection method: clinical testing. Allele origin: germline.
Comment: The p.R115Q variant (also known as c.344G>A), located in coding exon 4 of the SDHB gene, results from a G to A substitution at nucleotide position 344. The arginine at codon 115 is replaced by glutamine, an amino acid with highly similar properties. This variant was identified in a cohort of 681 ancestrally diverse, healthy subjects (Bodian DL et al. PLoS One, 2014 Apr;9:e94554). This amino acid position is well conserved through mammals. In addition, the in silico prediction for this alteration is inconclusive. Since supporting evidence is limited at this time, the clinical significance of this alteration remains unclear.

All of Us Research Program, National Institutes of Health
Classification: Uncertain significance for Hereditary pheochromocytoma and paraganglioma. Last evaluated: 2023-05-31. Review status: criteria provided, single submitter. Criteria: ACMG Guidelines, 2015. Collection method: clinical testing. Allele origin: germline. Inheritance: Autosomal dominant inheritance. Observed: 2 variant alleles, 2 heterozygotes.
Comment: This study involves interpretation of variants in research participants for the purpose of population health screening. Participant phenotype was not available at the time of variant classification. Additional details can be found in publication PMID: 35346344, PMCID: PMC8962531

Sema4
Classification: Uncertain significance for Hereditary cancer-predisposing syndrome. Last evaluated: 2021-05-17. Review status: criteria provided, single submitter. Criteria: Sema4 Curation Guidelines. Collection method: curation. Allele origin: germline.
Comment: To the best of our knowledge, the SDHB c.344G>A (p.R115Q) variant has not been reported in individuals with SDHB-related disease. It was observed in 3/30616 chromosomes of the South Asian subpopulation in the large and broad cohorts of the Genome Aggregation Database (PMID: 32461654). The variant has been reported in ClinVar (Variation ID 135193). In silico tools suggest the impact of the variant on protein function is inconclusive though these predictions have not been confirmed by functional studies. The evidence is insufficient to meet ACMG/AMP criteria for classifying the variant as benign or pathogenic. Thus, the clinical significance of this variant is currently uncertain.

GeneDx
Classification: Uncertain significance. Last evaluated: 2020-11-09. Review status: criteria provided, single submitter. Criteria: GeneDx Variant Classification Process June 2021. Collection method: clinical testing. Allele origin: germline. Affected: yes.
Comment: Not observed at a significant frequency in large population cohorts (Lek 2016); In silico analysis supports that this missense variant does not alter protein structure/function; Has not been previously published as pathogenic or benign to our knowledge; This variant is associated with the following publications: (PMID: 24728327)

Illumina Laboratory Services, Illumina
Classification: Uncertain significance for Carney-Stratakis syndrome. Last evaluated: 2017-04-27. Review status: criteria provided, single submitter. Criteria: ICSL Variant Classification Criteria 13 December 2019. Collection method: clinical testing. Allele origin: germline.

Illumina Laboratory Services, Illumina
Classification: Uncertain significance for Hereditary Paraganglioma-Pheochromocytoma Syndromes. Last evaluated: 2017-04-27. Review status: criteria provided, single submitter. Criteria: ICSL Variant Classification Criteria 13 December 2019. Collection method: clinical testing. Allele origin: germline.

ITMI
No classification provided. Condition: AllHighlyPenetrant. Last evaluated: 2013-09-19. Review status: no classification provided. Collection method: reference population. Allele origin: germline. Not counted in ClinVar's aggregate classification.
Comment: Please see associated publication for description of ethnicities

Literature cited by the submitters: PubMed 24728327 (cited by Ambry Genetics and ITMI).

NM_003000.3(SDHB):c.344G>A (p.Arg115Gln)

Gene: SDHB (succinate dehydrogenase complex iron sulfur subunit B; minus strand). Cytogenetic location: 1p36.13.
Variant type: single nucleotide variant.
Coding change: c.344G>A on transcript NM_003000.3 (MANE Select); coding-DNA position 344, G replaced by A.
Protein change: p.Arg115Gln; replaces arginine 115 with glutamine.
Molecular consequence: missense variant.
Genome position (GRCh38, 1-based): chr1:17,028,679, C>T on the plus strand (G>A on the coding strand, the complement: SDHB is on the minus strand). VCF-style: chr1-17028679-C-T. GRCh37 (hg19) VCF-style: chr1-17355174-C-T.
Other names: short protein forms R115Q.
Identifiers: ClinVar variation 135193 (VCV000135193.21), dbSNP rs200973284, ClinGen allele CA015769.